The following is an entry in ClinVar:

ClinVar aggregate classification (germline): Likely benign. Review status: criteria provided, multiple submitters, no conflicts (2 of 4 stars). 3 submissions from 3 submitters: Likely benign (3). Last evaluated 2025-09-11.

Conditions:
Catecholaminergic polymorphic ventricular tachycardia 1. Also called: RYR2-Related Catecholaminergic Polymorphic Ventricular Tachycardia; VENTRICULAR TACHYCARDIA, CATECHOLAMINERGIC POLYMORPHIC, 1, WITH OR WITHOUT ATRIAL DYSFUNCTION AND/OR DILATED CARDIOMYOPATHY; VENTRICULAR TACHYCARDIA, STRESS-INDUCED POLYMORPHIC 1. Identifiers: Orphanet 3286, MedGen C1631597, MONDO:0011484, OMIM 604772.
Catecholaminergic polymorphic ventricular tachycardia (CVPT). Also called: Catecholamine-induced polymorphic ventricular tachycardia. Identifiers: Orphanet 3286, MedGen C5574922, MONDO:0017990.
Cardiomyopathy (CMYO). Also called: Cardiomyopathies. Identifiers: Orphanet 167848, MedGen C0878544, MONDO:0004994, HP:0001638. Inheritance: Various modes of inheritance.

Allele frequency attached by ClinVar (database versions not stated): gnomAD exomes below 0.00001.
gnomAD v4.1: 14 of 1,613,370 alleles (0.00087%); highest among the groups gnomAD compares: Non-Finnish European, 0.001%; no homozygotes.

Submissions (3):

Labcorp Genetics (formerly Invitae), Labcorp
Classification: Likely benign for Catecholaminergic polymorphic ventricular tachycardia 1. Last evaluated: 2025-09-11. Review status: criteria provided, single submitter. Criteria: Invitae Variant Classification Sherloc (09022015). Collection method: clinical testing. Allele origin: germline.

All of Us Research Program, National Institutes of Health
Classification: Likely benign for Catecholaminergic polymorphic ventricular tachycardia. Last evaluated: 2023-08-15. Review status: criteria provided, single submitter. Criteria: ACMG Guidelines, 2015. Collection method: clinical testing. Allele origin: germline. Inheritance: Autosomal dominant inheritance. Observed: 1 variant allele, 1 heterozygote.
Comment: This study involves interpretation of variants in research participants for the purpose of population health screening. Participant phenotype was not available at the time of variant classification. Additional details can be found in publication PMID: 35346344, PMCID: PMC8962531

Color Diagnostics, LLC DBA Color Health
Classification: Likely benign for Cardiomyopathy. Last evaluated: 2018-05-29. Review status: criteria provided, single submitter. Criteria: ACMG Guidelines, 2015. Collection method: clinical testing. Allele origin: germline.

NM_001035.3(RYR2):c.10062C>T (p.Leu3354=)

Gene: RYR2 (ryanodine receptor 2; plus strand). Cytogenetic location: 1q43.
Variant type: single nucleotide variant.
Coding change: c.10062C>T on transcript NM_001035.3 (MANE Select); coding-DNA position 10062, C replaced by T.
Protein change: p.Leu3354=; no amino-acid change (leucine 3354 retained).
Molecular consequence: synonymous variant.
Genome position (GRCh38, 1-based): chr1:237,709,018, C>T. VCF-style: chr1-237709018-C-T. GRCh37 (hg19) VCF-style: chr1-237872318-C-T.
Other names: c.10062C>T, p.Leu3354= (LRG_402t1).
Identifiers: ClinVar variation 628494 (VCV000628494.12), dbSNP rs931521804, ClinGen allele CA424032024.